The following is an entry in ClinVar:

ClinVar aggregate classification (germline): Uncertain significance (1 of 4 stars; one submission).

Conditions:
Fanconi anemia (FA). Also called: Fanconi's anemia. Identifiers: Orphanet 84, MedGen C0015625, MeSH D005199, MONDO:0019391.

Submission:

Labcorp Genetics (formerly Invitae), Labcorp
Classification: Uncertain significance for Fanconi anemia. Last evaluated: 2022-06-26. Review status: criteria provided, single submitter. Criteria: Invitae Variant Classification Sherloc (09022015). Collection method: clinical testing. Allele origin: germline.
Comment: In summary, the available evidence is currently insufficient to determine the role of this variant in disease. Therefore, it has been classified as a Variant of Uncertain Significance. This variant disrupts a region of the FANCI protein in which other variant(s) (p.Gly422Arg) have been observed in individuals with FANCI-related conditions (PMID: 23613520). This suggests that this is a clinically significant region of the protein, and that variants that disrupt it are likely to be disease-causing. Experimental studies and prediction algorithms are not available or were not evaluated, and the functional significance of this variant is currently unknown. This variant has not been reported in the literature in individuals affected with FANCI-related conditions. This variant is a gross deletion of the genomic region encompassing exon(s) 3-18 of the FANCI gene. This variant would be expected to be in-frame, preserving the integrity of the reading frame.

Literature cited by the submitters: PubMed 23613520.

NC_000015.9:g.(?_89801915)_(89828469_?)del

Gene: FANCI (FA complementation group I; plus strand). Cytogenetic location: 15q26.1.
Variant type: Deletion.
Identifiers: ClinVar variation 2423731 (VCV002423731.4).